The following is an entry in ClinVar:

ClinVar aggregate classification (germline): Uncertain significance (1 of 4 stars; one submission).

Conditions:
Cardiovascular phenotype. Identifiers: MedGen CN230736.

Submission:

Ambry Genetics
Classification: Uncertain significance for Cardiovascular phenotype. Last evaluated: 2024-10-18. Review status: criteria provided, single submitter. Criteria: Ambry Variant Classification Scheme 2023. Collection method: clinical testing. Allele origin: germline.
Comment: The p.M4002V variant (also known as c.12004A>G), located in coding exon 90 of the RYR2 gene, results from an A to G substitution at nucleotide position 12004. The methionine at codon 4002 is replaced by valine, an amino acid with highly similar properties. This variant was reported in a sudden arrhythmic death cohort and a catecholaminergic polymorphic ventricular tachycardia (CPVT), but clinical details were limited (Veith M et al. J Clin Med, 2020 Mar;9:[ePub ahead of print]; Lahrouchi N et al. J Am Coll Cardiol, 2017 May;69:2134-2145). This amino acid position is highly conserved in available vertebrate species. In addition, this alteration is predicted to be deleterious by in silico analysis. Based on the available evidence, the clinical significance of this variant remains unclear.

Literature cited by the submitters: PubMed 28449774; PubMed 32218223.

NM_001035.3(RYR2):c.12004A>G (p.Met4002Val)

Gene: RYR2 (ryanodine receptor 2; plus strand). Cytogenetic location: 1q43.
Variant type: single nucleotide variant.
Coding change: c.12004A>G on transcript NM_001035.3 (MANE Select); coding-DNA position 12004, A replaced by G.
Protein change: p.Met4002Val; replaces methionine 4002 with valine.
Molecular consequence: missense variant.
Genome position (GRCh38, 1-based): chr1:237,783,716, A>G. VCF-style: chr1-237783716-A-G. GRCh37 (hg19) VCF-style: chr1-237947016-A-G.
Other names: short protein forms M4002V.
Identifiers: ClinVar variation 3436580 (VCV003436580.1).